The following is an entry in ClinVar:

NM_016734.3(PAX5):c.1127C>G (p.Ala376Gly)

Gene: PAX5 (paired box 5; minus strand). Cytogenetic location: 9p13.2.
Variant type: single nucleotide variant.
Coding change: c.1127C>G on transcript NM_016734.3 (MANE Select); coding-DNA position 1127, C replaced by G.
Protein change: p.Ala376Gly; replaces alanine 376 with glycine.
Molecular consequence: missense variant. On other transcripts: non-coding transcript variant (2).
Genome position (GRCh38, 1-based): chr9:36,840,609, G>C on the plus strand (C>G on the coding strand, the complement: PAX5 is on the minus strand). VCF-style: chr9-36840609-G-C. GRCh37 (hg19) VCF-style: chr9-36840606-G-C.
Other names: c.1025C>G, p.Ala342Gly (NM_001280547.2); c.1040C>G, p.Ala347Gly (NM_001280548.2); c.895C>G, p.Pro299Ala (NM_001280549.2); c.808C>G, p.Pro270Ala (NM_001280550.2); c.614C>G, p.Ala205Gly (NM_001280551.2); c.938C>G, p.Ala313Gly (NM_001280552.2); c.911C>G, p.Ala304Gly (NM_001280553.2); c.998C>G, p.Ala333Gly (NM_001280554.2); and 2 more; short protein forms A276G, P299A, A205G, A304G, A313G, A376G, P270A, A268G.
Identifiers: ClinVar variation 4131434 (VCV004131434.1).

ClinVar aggregate classification (germline): Uncertain significance (1 of 4 stars; one submission).

Conditions:
Inborn genetic diseases. Identifiers: MedGen C0950123, MeSH D030342.

Submission:

Ambry Genetics
Classification: Uncertain significance for Inborn genetic diseases. Last evaluated: 2025-08-25. Review status: criteria provided, single submitter. Criteria: Ambry Variant Classification Scheme 2023. Collection method: clinical testing. Allele origin: germline.
Comment: The p.A376G variant (also known as c.1127C>G), located in coding exon 10 of the PAX5 gene, results from a C to G substitution at nucleotide position 1127. The alanine at codon 376 is replaced by glycine, an amino acid with similar properties. This amino acid position is conserved. In addition, the in silico prediction for this alteration is inconclusive. Based on the available evidence, the clinical significance of this variant remains unclear.